The following is an entry in ClinVar:

NM_001042603.3(KDM5A):c.449C>G (p.Pro150Arg)

Gene: KDM5A (lysine demethylase 5A; minus strand). Cytogenetic location: 12p13.33.
Variant type: single nucleotide variant.
Coding change: c.449C>G on transcript NM_001042603.3 (MANE Select); coding-DNA position 449, C replaced by G.
Protein change: p.Pro150Arg; replaces proline 150 with arginine.
Molecular consequence: missense variant.
Genome position (GRCh38, 1-based): chr12:366,022, G>C on the plus strand (C>G on the coding strand, the complement: KDM5A is on the minus strand). VCF-style: chr12-366022-G-C. GRCh37 (hg19) VCF-style: chr12-475188-G-C.
Other names: short protein forms P150R.
Identifiers: ClinVar variation 3649861 (VCV003649861.2).

ClinVar aggregate classification (germline): Uncertain significance (1 of 4 stars; one submission).

Submission:

Labcorp Genetics (formerly Invitae), Labcorp
Classification: Uncertain significance. Last evaluated: 2024-04-14. Review status: criteria provided, single submitter. Criteria: Invitae Variant Classification Sherloc (09022015). Collection method: clinical testing. Allele origin: germline.
Comment: This sequence change replaces proline, which is neutral and non-polar, with arginine, which is basic and polar, at codon 150 of the KDM5A protein (p.Pro150Arg). This variant is not present in population databases (gnomAD no frequency). This variant has not been reported in the literature in individuals affected with KDM5A-related conditions. Advanced modeling of protein sequence and biophysical properties (such as structural, functional, and spatial information, amino acid conservation, physicochemical variation, residue mobility, and thermodynamic stability) performed at Invitae indicates that this missense variant is not expected to disrupt KDM5A protein function with a negative predictive value of 80%. In summary, the available evidence is currently insufficient to determine the role of this variant in disease. Therefore, it has been classified as a Variant of Uncertain Significance.